The following is an entry in ClinVar:

NM_000548.5(TSC2):c.4979G>A (p.Gly1660Asp)

Gene: TSC2 (TSC complex subunit 2; plus strand). Cytogenetic location: 16p13.3.
Variant type: single nucleotide variant.
Coding change: c.4979G>A on transcript NM_000548.5 (MANE Select); coding-DNA position 4979, G replaced by A.
Protein change: p.Gly1660Asp; replaces glycine 1660 with aspartic acid.
Molecular consequence: missense variant.
Genome position (GRCh38, 1-based): chr16:2,086,861, G>A. VCF-style: chr16-2086861-G-A. GRCh37 (hg19) VCF-style: chr16-2136862-G-A.
Other names: c.4778G>A, p.Gly1593Asp (NM_001077183.3); c.4910G>A, p.Gly1637Asp (NM_001114382.3); c.4670G>A, p.Gly1557Asp (NM_001318827.2); c.4634G>A, p.Gly1545Asp (NM_001318829.2); c.4247G>A, p.Gly1416Asp (NM_001318831.2); c.4811G>A, p.Gly1604Asp (NM_001318832.2); c.4781G>A, p.Gly1594Asp (NM_001363528.2); c.4847G>A, p.Gly1616Asp (NM_001370404.1); and 1 more; short protein forms G1416D, G1616D, G1545D, G1557D, G1594D, G1660D, G1593D, G1604D.
Identifiers: ClinVar variation 825338 (VCV000825338.4), dbSNP rs1189857262, ClinGen allele CA394309163.

ClinVar aggregate classification (germline): Uncertain significance (1 of 4 stars; one submission).

Conditions:
Hereditary cancer-predisposing syndrome. Also called: Neoplastic Syndromes, Hereditary; Tumor predisposition; Hereditary neoplastic syndrome; Hereditary Cancer Syndrome. Identifiers: Orphanet 140162, MedGen C0027672, MeSH D009386, MONDO:0015356.

Submission:

Ambry Genetics
Classification: Uncertain significance for Hereditary cancer-predisposing syndrome. Last evaluated: 2019-08-15. Review status: criteria provided, single submitter. Criteria: Ambry Variant Classification Scheme 2023. Collection method: clinical testing. Allele origin: germline.
Comment: The p.G1660D variant (also known as c.4979G>A), located in coding exon 37 of the TSC2 gene, results from a G to A substitution at nucleotide position 4979. The glycine at codon 1660 is replaced by aspartic acid, an amino acid with similar properties. This amino acid position is highly conserved in available vertebrate species. In addition, this alteration is predicted to be deleterious by in silico analysis. Since supporting evidence is limited at this time, the clinical significance of this alteration remains unclear.